The following is an entry in ClinVar:

NM_001166108.2(PALLD):c.1965-12625A>C

Gene: PALLD (palladin, cytoskeletal associated protein; plus strand). Cytogenetic location: 4q32.3.
Variant type: single nucleotide variant.
Coding change: c.1965-12625A>C on transcript NM_001166108.2 (MANE Select); 12625 bases into the intron before coding-DNA position 1965, A replaced by C.
Molecular consequence: intron variant. On other transcripts: missense variant (1).
Genome position (GRCh38, 1-based): chr4:168,878,297, A>C. VCF-style: chr4-168878297-A-C. GRCh37 (hg19) VCF-style: chr4-169799448-A-C.
Other names: c.406A>C, p.Ser136Arg (NM_001166110.2); c.1965-12625A>C (NM_016081.4); c.819-12625A>C (NM_001166109.2); c.-157-12625A>C (NM_001367570.1, NM_001367568.1, NM_001367567.1 and 1 more transcripts); short protein forms S136R.
Identifiers: ClinVar variation 1737524 (VCV001737524.2), dbSNP rs62333013, ClinGen allele CA358796613.

ClinVar aggregate classification (germline): Uncertain significance (1 of 4 stars; one submission).

Submission:

Ambry Genetics
Classification: Uncertain significance. Last evaluated: 2021-12-10. Review status: criteria provided, single submitter. Criteria: Ambry Variant Classification Scheme 2023. Collection method: clinical testing. Allele origin: germline.
Comment: The p.S136R variant (also known as c.406A>C), located in coding exon 1 of the PALLD gene, results from an A to C substitution at nucleotide position 406. The serine at codon 136 is replaced by arginine, an amino acid with dissimilar properties. This amino acid position is conserved. In addition, this alteration is predicted to be tolerated by in silico analysis. Since supporting evidence is limited at this time, the clinical significance of this alteration remains unclear.